The following is an entry in ClinVar:

NM_000135.4(FANCA):c.3239G>A (p.Arg1080Gln)

Gene: FANCA (FA complementation group A; minus strand). Cytogenetic location: 16q24.3.
Variant type: single nucleotide variant.
Coding change: c.3239G>A on transcript NM_000135.4 (MANE Select); coding-DNA position 3239, G replaced by A.
Protein change: p.Arg1080Gln; replaces arginine 1080 with glutamine.
Molecular consequence: missense variant.
Genome position (GRCh38, 1-based): chr16:89,749,730, C>T on the plus strand (G>A on the coding strand, the complement: FANCA is on the minus strand). VCF-style: chr16-89749730-C-T. GRCh37 (hg19) VCF-style: chr16-89816138-C-T.
Other names: c.3239G>A, p.Arg1080Gln (NM_001286167.3); c.3239G>A (NM_000135.3, LRG_495t1); short protein forms R1080Q.
Identifiers: ClinVar variation 552829 (VCV000552829.23), dbSNP rs1555538571, ClinGen allele CA397486419.

ClinVar aggregate classification (germline): Pathogenic/Likely pathogenic. Review status: criteria provided, multiple submitters, no conflicts (2 of 4 stars). 5 submissions from 5 submitters: Pathogenic (1); Likely pathogenic (2). 2 of the submissions do not count toward it. Last evaluated 2024-11-02.

Conditions:
Fanconi anemia complementation group A (FANCA). Also called: FANCA-Related Fanconi Anemia; Fanconi anemia, group A. Identifiers: Orphanet 84, MedGen C3469521, MONDO:0009215, OMIM 227650.
Fanconi anemia (FA). Also called: Fanconi's anemia. Identifiers: Orphanet 84, MedGen C0015625, MeSH D005199, MONDO:0019391.

Allele frequency attached by ClinVar (database versions not stated): gnomAD exomes below 0.00001.
gnomAD v4.1: 2 of 1,613,428 alleles (0.00012%); highest among the groups gnomAD compares: Non-Finnish European, 0.00017%; no homozygotes.

Submissions (5):

Natera, Inc.
Classification: Likely pathogenic for Fanconi anemia. Last evaluated: 2024-11-02. Review status: criteria provided, single submitter. Criteria: Natera Variant Classification Schema (03/2026). Collection method: clinical testing. Allele origin: germline.
Comment: The c.3239G>A variant in FANCA is a missense variant predicted to cause substitution of arginine to glutamine at amino acid 1080. This variant is rare in the general population with a frequency below the threshold expected for the associated phenotype(s). This variant has been observed in one or more individuals affected with the associated recessive disease, as either homozygous or compound heterozygous with a second variant (PMID: 36894310, 33394227, 24584348). Computational prediction algorithms indicate this variant is likely to affect gene or protein function. Given the available evidence, this variant is classified as Likely Pathogenic.

CeGaT Center for Human Genetics Tuebingen
Classification: Likely pathogenic. Last evaluated: 2024-07-01. Review status: criteria provided, single submitter. Criteria: CeGaT Center For Human Genetics Tuebingen Variant Classification Criteria Version 2. Collection method: clinical testing. Allele origin: germline. Affected: yes. Observed: 1 variant allele.
Comment: FANCA: PM3:Strong, PM1, PM2, PP3

Baylor Genetics
Classification: Pathogenic for Fanconi anemia complementation group A. Last evaluated: 2023-04-09. Review status: criteria provided, single submitter. Criteria: ACMG Guidelines, 2015. Collection method: clinical testing. Allele origin: unknown.

Leiden Open Variation Database
Classification: Pathogenic for Fanconi anemia complementation group A. Last evaluated: 2020-02-28. Review status: no assertion criteria provided. Collection method: curation. Allele origin: germline. Affected: yes. Not counted in ClinVar's aggregate classification.
Comment: Curator: Arleen D. Auerbach. Submitters to LOVD: Arleen D. Auerbach, Daniela Pilonetto.

Counsyl
Classification: Likely pathogenic for Fanconi anemia complementation group A. Last evaluated: 2017-07-13. Review status: no assertion criteria provided. Collection method: clinical testing. Allele origin: unknown. Not counted in ClinVar's aggregate classification.

Literature cited by the submitters: PubMed 36894310 (cited by Natera, Inc.); PubMed 33394227 (cited by Natera, Inc.); PubMed 24584348 (cited by Natera, Inc. and Counsyl); PubMed 21273304 (cited by Leiden Open Variation Database and Counsyl); PubMed 15643609 (cited by Counsyl).